The following is an entry in ClinVar:

ClinVar aggregate classification (germline): Uncertain significance. Review status: criteria provided, multiple submitters, no conflicts (2 of 4 stars). 2 submissions from 2 submitters: Uncertain significance (2). Last evaluated 2025-02-26.

Conditions:
Heart failure. Identifiers: MedGen C0018801, MONDO:0005252.
Hypertrophic cardiomyopathy. Also called: HYPERTROPHIC MYOCARDIOPATHY. Identifiers: Orphanet 217569, MedGen C0007194, MeSH D002312, MONDO:0005045, HP:0001639.

Submissions (2):

Clinical Genetics Laboratory, Skane University Hospital Lund
Classification: Uncertain significance for Heart failure. Last evaluated: 2025-02-26. Review status: criteria provided, single submitter. Criteria: ACMG Guidelines, 2015. Collection method: clinical testing. Allele origin: germline. Affected: yes.
Comment: Applied criteria according to the ClinGen Cardiomyopathy Expert Panel Specifications to the ACMG/AMP Variant Interpretation Guidelines for MYH7 Version 2.0.0: PM1, PM2. The variant was detected in trans with another MYH7 variant of uncertain significance (VUS): NM_000257.4(MYH7):c.2408_2409delinsC;p.(Lys803Thrfs*11).

Labcorp Genetics (formerly Invitae), Labcorp
Classification: Uncertain significance for Hypertrophic cardiomyopathy. Last evaluated: 2022-02-03. Review status: criteria provided, single submitter. Criteria: Invitae Variant Classification Sherloc (09022015). Collection method: clinical testing. Allele origin: germline.
Comment: Algorithms developed to predict the effect of missense changes on protein structure and function are either unavailable or do not agree on the potential impact of this missense change (SIFT: "Deleterious"; PolyPhen-2: "Benign"; Align-GVGD: "Class C0"). ClinVar contains an entry for this variant (Variation ID: 642106). This variant has not been reported in the literature in individuals affected with MYH7-related conditions. This variant is not present in population databases (gnomAD no frequency). This sequence change replaces leucine, which is neutral and non-polar, with methionine, which is neutral and non-polar, at codon 881 of the MYH7 protein (p.Leu881Met). In summary, the available evidence is currently insufficient to determine the role of this variant in disease. Therefore, it has been classified as a Variant of Uncertain Significance. This variant is found within a region of MYH7 between codons 181 and 937 that contains the majority of the myosin head domain. Missense variants in this region have been shown to be significantly overrepresented in individuals with hypertrophic cardiomyopathy (PMID: 27532257).

Literature cited by the submitters: PubMed 27532257 (cited by Labcorp Genetics (formerly Invitae), Labcorp).

NM_000257.4(MYH7):c.2641C>A (p.Leu881Met)

Genes: MYH7 (myosin heavy chain 7; minus strand), LOC126861898 (BRD4-independent group 4 enhancer GRCh37_chr14:23893609-23894808; plus strand). Cytogenetic location: 14q11.2.
Variant type: single nucleotide variant.
Coding change: c.2641C>A on transcript NM_000257.4 (MANE Select); coding-DNA position 2641, C replaced by A.
Protein change: p.Leu881Met; replaces leucine 881 with methionine.
Molecular consequence: missense variant.
Genome position (GRCh38, 1-based): chr14:23,424,807, G>T on the plus strand (C>A on the coding strand, the complement: MYH7 is on the minus strand). VCF-style: chr14-23424807-G-T. GRCh37 (hg19) VCF-style: chr14-23894016-G-T.
Other names: short protein forms L881M.
Identifiers: ClinVar variation 642106 (VCV000642106.12), dbSNP rs907992794, ClinGen allele CA389047914.
Genomic context (GRCh38, chr14:23,424,807, plus strand): 5'-AACAGTAGCCCAGGAGCCTCACCGCCTGCACTTGGAGCTGCAGGTCATTCTTCTCCTGCA[G>T]CAGGGACACCATCTTCTCCTCCAGCTCCTTGCGGCGAGCCTCGGACTTCTCTAGCGCCTC-3'
Protein context (NP_000248.2, residues 871-891): KELEEKMVSL[Leu881Met]QEKNDLQLQV